The following is an entry in ClinVar:

NM_001283009.2(RTEL1):c.1291C>T (p.His431Tyr)

Genes: RTEL1 (regulator of telomere elongation helicase 1; plus strand), RTEL1-TNFRSF6B (RTEL1-TNFRSF6B readthrough (NMD candidate); plus strand). Cytogenetic location: 20q13.33.
Variant type: single nucleotide variant.
Coding change: c.1291C>T on transcript NM_001283009.2 (MANE Select); coding-DNA position 1291, C replaced by T.
Protein change: p.His431Tyr; replaces histidine 431 with tyrosine.
Molecular consequence: missense variant. On other transcripts: non-coding transcript variant (1).
Genome position (GRCh38, 1-based): chr20:63,685,815, C>T. VCF-style: chr20-63685815-C-T. GRCh37 (hg19) VCF-style: chr20-62317168-C-T.
Other names: c.622C>T, p.His208Tyr (NM_001283010.1); c.1291C>T, p.His431Tyr (NM_016434.4); c.1363C>T, p.His455Tyr (NM_032957.5); short protein forms H208Y, H431Y, H455Y.
Identifiers: ClinVar variation 4863520 (VCV004863520.1).

ClinVar aggregate classification (germline): Uncertain significance (1 of 4 stars; one submission).

Conditions:
Inborn genetic diseases. Identifiers: MedGen C0950123, MeSH D030342.

Submission:

Ambry Genetics
Classification: Uncertain significance for Inborn genetic diseases. Last evaluated: 2026-03-23. Review status: criteria provided, single submitter. Criteria: Ambry Variant Classification Scheme 2023. Collection method: clinical testing. Allele origin: germline.
Comment: The p.H431Y variant (also known as c.1291C>T), located in coding exon 15 of the RTEL1 gene, results from a C to T substitution at nucleotide position 1291. The histidine at codon 431 is replaced by tyrosine, an amino acid with similar properties. This amino acid position is conserved. In addition, this alteration is predicted to be tolerated by in silico analysis. Based on the available evidence, the clinical significance of this variant remains unclear.